The following is an entry in ClinVar:

NM_022454.4(SOX17):c.911G>C (p.Gly304Ala)

Gene: SOX17 (SRY-box transcription factor 17; plus strand). Cytogenetic location: 8q11.23.
Variant type: single nucleotide variant.
Coding change: c.911G>C on transcript NM_022454.4 (MANE Select); coding-DNA position 911, G replaced by C.
Protein change: p.Gly304Ala; replaces glycine 304 with alanine.
Molecular consequence: missense variant.
Genome position (GRCh38, 1-based): chr8:54,459,661, G>C. VCF-style: chr8-54459661-G-C. GRCh37 (hg19) VCF-style: chr8-55372221-G-C.
Other names: short protein forms G304A.
Identifiers: ClinVar variation 2726465 (VCV002726465.3), dbSNP rs778285436, ClinGen allele CA371025404.

ClinVar aggregate classification (germline): Uncertain significance (1 of 4 stars; one submission).

Submission:

Labcorp Genetics (formerly Invitae), Labcorp
Classification: Uncertain significance. Last evaluated: 2025-06-12. Review status: criteria provided, single submitter. Criteria: Invitae Variant Classification Sherloc (09022015). Collection method: clinical testing. Allele origin: germline.
Comment: This sequence change replaces glycine, which is neutral and non-polar, with alanine, which is neutral and non-polar, at codon 304 of the SOX17 protein (p.Gly304Ala). This variant is not present in population databases (gnomAD no frequency). This variant has not been reported in the literature in individuals affected with SOX17-related conditions. ClinVar contains an entry for this variant (Variation ID: 2726465). Invitae Evidence Modeling of protein sequence and biophysical properties (such as structural, functional, and spatial information, amino acid conservation, physicochemical variation, residue mobility, and thermodynamic stability) indicates that this missense variant is not expected to disrupt SOX17 protein function with a negative predictive value of 80%. In summary, the available evidence is currently insufficient to determine the role of this variant in disease. Therefore, it has been classified as a Variant of Uncertain Significance.